The following is an entry in ClinVar:

Single allele

Variant type: Duplication.
Identifiers: ClinVar variation 559463 (VCV000559463.3).

ClinVar aggregate classification (germline): Uncertain significance (1 of 4 stars; one submission).

Submission:

Geisinger Autism and Developmental Medicine Institute, Geisinger Health System
Classification: Uncertain significance. Last evaluated: 2018-03-22. Review status: criteria provided, single submitter. Criteria: ACMG CNV Guidelines, 2011. Collection method: provider interpretation. Allele origin: unknown.
Comment: This region includes 5 OMIM genes, of which VSP37A and FGF20 have been associated with clinical conditions. Both are associated with autosomal recessive conditions - spastic paraplegia 53 and renal hypoplasia/aplasia 2 respectively. Parental testing has not been completed to date.